The following is an entry in ClinVar:

ClinVar aggregate classification (germline): Uncertain significance (1 of 4 stars; one submission).

Conditions:
Hypertrophic cardiomyopathy. Also called: HYPERTROPHIC MYOCARDIOPATHY. Identifiers: Orphanet 217569, MedGen C0007194, MeSH D002312, MONDO:0005045, HP:0001639.

Submission:

All of Us Research Program, National Institutes of Health
Classification: Uncertain significance for Hypertrophic cardiomyopathy. Last evaluated: 2024-06-09. Review status: criteria provided, single submitter. Criteria: ACMG Guidelines, 2015. Collection method: clinical testing. Allele origin: germline. Inheritance: Autosomal dominant inheritance. Observed: 1 variant allele, 1 heterozygote.
Comment: This missense variant replaces serine with cysteine at codon 392 of the PRKAG2 protein. Computational prediction suggests that this variant may have deleterious impact on protein structure and function (internally defined REVEL score threshold >= 0.7, PMID: 27666373). To our knowledge, functional studies have not been reported for this variant. This variant has not been reported in individuals affected with PRKAG2-related disorders in the literature. This variant has not been identified in the general population by the Genome Aggregation Database (gnomAD). The available evidence is insufficient to determine the role of this variant in disease conclusively. Therefore, this variant is classified as a Variant of Uncertain Significance.

This study involves interpretation of variants in research participants for the purpose of population health screening. Participant phenotype was not available at the time of variant classification. Additional details can be found in publication PMID: 35346344, PMCID: PMC8962531

NM_016203.4(PRKAG2):c.1174A>T (p.Ser392Cys)

Gene: PRKAG2 (protein kinase AMP-activated non-catalytic subunit gamma 2; minus strand). Cytogenetic location: 7q36.1.
Variant type: single nucleotide variant.
Coding change: c.1174A>T on transcript NM_016203.4 (MANE Select); coding-DNA position 1174, A replaced by T.
Protein change: p.Ser392Cys; replaces serine 392 with cysteine.
Molecular consequence: missense variant.
Genome position (GRCh38, 1-based): chr7:151,568,775, T>A on the plus strand (A>T on the coding strand, the complement: PRKAG2 is on the minus strand). VCF-style: chr7-151568775-T-A. GRCh37 (hg19) VCF-style: chr7-151265861-T-A.
Other names: c.1042A>T, p.Ser348Cys (NM_001040633.2, NM_001407024.1); c.799A>T, p.Ser267Cys (NM_001304527.2, NM_001407029.1); c.451A>T, p.Ser151Cys (NM_001304531.2, NM_001407034.1, NM_001407035.1 and 1 more transcripts); c.802A>T, p.Ser268Cys (NM_001363698.2, NM_001407028.1); c.1174A>T, p.Ser392Cys (NM_001407021.1); c.1171A>T, p.Ser391Cys (NM_001407022.1, NM_001407023.1); c.1039A>T, p.Ser347Cys (NM_001407026.1, NM_001407027.1); c.886A>T, p.Ser296Cys (NM_001407030.1); and 6 more; short protein forms S150C, S151C, S167C, S171C, S267C, S268C, S284C, S286C.
Identifiers: ClinVar variation 3387528 (VCV003387528.1).